The following is an entry in ClinVar:

NM_152564.5(VPS13B):c.1469G>C (p.Gly490Ala)

Gene: VPS13B (vacuolar protein sorting 13 homolog B; plus strand). Cytogenetic location: 8q22.2.
Variant type: single nucleotide variant.
Coding change: c.1469G>C on transcript NM_152564.5 (MANE Select); coding-DNA position 1469, G replaced by C.
Protein change: p.Gly490Ala; replaces glycine 490 with alanine.
Molecular consequence: missense variant.
Genome position (GRCh38, 1-based): chr8:99,135,639, G>C. VCF-style: chr8-99135639-G-C. GRCh37 (hg19) VCF-style: chr8-100147867-G-C.
Other names: c.1469G>C, p.Gly490Ala (NM_015243.3, NM_017890.5); short protein forms G490A.
Identifiers: ClinVar variation 1347633 (VCV001347633.8), dbSNP rs761218548, ClinGen allele CA371863193.

ClinVar aggregate classification (germline): Uncertain significance (1 of 4 stars; one submission).

Conditions:
Cohen syndrome (COH1). Also called: Cutis verticis gyrata, retinitis pigmentosa, and sensorineural deafness; PEPPER SYNDROME. Identifiers: Orphanet 193, MedGen C0265223, MONDO:0008999, OMIM 216550.

gnomAD v4.1: 1 of 1,613,338 alleles (0.000062%); highest among the groups gnomAD compares: African/African-American, 0.0013%; no homozygotes.

Submission:

Labcorp Genetics (formerly Invitae), Labcorp
Classification: Uncertain significance for Cohen syndrome. Last evaluated: 2024-04-05. Review status: criteria provided, single submitter. Criteria: Invitae Variant Classification Sherloc (09022015). Collection method: clinical testing. Allele origin: germline.
Comment: This sequence change replaces glycine, which is neutral and non-polar, with alanine, which is neutral and non-polar, at codon 490 of the VPS13B protein (p.Gly490Ala). This variant is not present in population databases (gnomAD no frequency). This variant has not been reported in the literature in individuals affected with VPS13B-related conditions. ClinVar contains an entry for this variant (Variation ID: 1347633). Advanced modeling of protein sequence and biophysical properties (such as structural, functional, and spatial information, amino acid conservation, physicochemical variation, residue mobility, and thermodynamic stability) performed at Invitae indicates that this missense variant is expected to disrupt VPS13B protein function with a positive predictive value of 80%. In summary, the available evidence is currently insufficient to determine the role of this variant in disease. Therefore, it has been classified as a Variant of Uncertain Significance.